The following is an entry in ClinVar:

NM_000465.4(BARD1):c.1482_1485delinsGGGTA (p.Asn494fs)

Gene: BARD1 (BRCA1 associated RING domain 1; minus strand). Cytogenetic location: 2q35.
Variant type: Indel.
Coding change: c.1482_1485delinsGGGTA on transcript NM_000465.4 (MANE Select); coding-DNA positions 1482 to 1485, TGAC replaced by GGGTA.
Protein change: p.Asn494fs; shifts the reading frame from asparagine 494.
Molecular consequence: frameshift variant. On other transcripts: non-coding transcript variant (3), intron variant (3).
Genome position (GRCh38, 1-based): chr2:214,767,565-214,767,568, GTCA replaced by TACCC on the plus strand (TGAC replaced by GGGTA on the coding strand, the reverse complement: BARD1 is on the minus strand). VCF-style: chr2-214767565-GTCA-TACCC. GRCh37 (hg19) VCF-style: chr2-215632289-GTCA-TACCC.
Other names: c.1425_1428delinsGGGTA, p.Asn475fs (NM_001282543.2); c.159-15013_159-15010delinsGGGTA (NM_001282548.2); c.216-15013_216-15010delinsGGGTA (NM_001282545.2); c.364+24729_364+24732delinsGGGTA (NM_001282549.2); short protein forms N494fs, N475fs.
Identifiers: ClinVar variation 1773583 (VCV001773583.2), dbSNP rs2469443549, ClinGen allele CA2580065621.

ClinVar aggregate classification (germline): Pathogenic (1 of 4 stars; one submission).

Conditions:
Hereditary cancer-predisposing syndrome. Also called: Hereditary Cancer Syndrome; Hereditary neoplastic syndrome; Neoplastic Syndromes, Hereditary; Tumor predisposition. Identifiers: Orphanet 140162, MedGen C0027672, MeSH D009386, MONDO:0015356.

Submission:

Ambry Genetics
Classification: Pathogenic for Hereditary cancer-predisposing syndrome. Last evaluated: 2022-01-03. Review status: criteria provided, single submitter. Criteria: Ambry Variant Classification Scheme 2023. Collection method: clinical testing. Allele origin: germline.
Comment: The c.1482_1485delTGACinsGGGTA pathogenic mutation, located in coding exon 6 of the BARD1 gene, results from the deletion of 4 nucleotides and insertion of 5 nucleotides causing a translational frameshift with a predicted alternate stop codon (p.N494Kfs*31). This variant is considered to be rare based on population cohorts in the Genome Aggregation Database (gnomAD). This alteration is expected to result in loss of function by premature protein truncation or nonsense-mediated mRNA decay. As such, this alteration is interpreted as a disease-causing mutation.